The following is an entry in ClinVar:

ClinVar aggregate classification (germline): Uncertain significance (1 of 4 stars; one submission).

Conditions:
Familial thoracic aortic aneurysm and aortic dissection (TAAD). Also called: Thoracic aortic aneurysms and dissections. Identifiers: Orphanet 91387, MedGen C4707243, MONDO:0019625.

gnomAD v4.1: 1 of 1,613,918 alleles (0.000062%); highest among the groups gnomAD compares: Non-Finnish European, 0.000085%; no homozygotes.

Submission:

Ambry Genetics
Classification: Uncertain significance for Familial thoracic aortic aneurysm and aortic dissection. Last evaluated: 2026-08-10. Review status: criteria provided, single submitter. Criteria: Ambry Variant Classification Scheme 2023. Collection method: clinical testing. Allele origin: germline.
Comment: The p.I508T variant (also known as c.1523T>C), located in coding exon 4 of the SLC2A10 gene, results from a T to C substitution at nucleotide position 1523. The isoleucine at codon 508 is replaced by threonine, an amino acid with similar properties. This amino acid position is conserved. In addition, this alteration is predicted to be deleterious by in silico analysis. Based on the available evidence, the clinical significance of this variant remains unclear.

NM_030777.4(SLC2A10):c.1523T>C (p.Ile508Thr)

Gene: SLC2A10 (solute carrier family 2 member 10; plus strand). Cytogenetic location: 20q13.12.
Variant type: single nucleotide variant.
Coding change: c.1523T>C on transcript NM_030777.4 (MANE Select); coding-DNA position 1523, T replaced by C.
Protein change: p.Ile508Thr; replaces isoleucine 508 with threonine.
Molecular consequence: missense variant.
Genome position (GRCh38, 1-based): chr20:46,729,464, T>C. VCF-style: chr20-46729464-T-C. GRCh37 (hg19) VCF-style: chr20-45358103-T-C.
Other names: short protein forms I508T.
Identifiers: ClinVar variation 5029625 (VCV005029625.1).